The following is an entry in ClinVar:

NM_001370259.2(MEN1):c.44C>G (p.Ser15Cys)

Gene: MEN1 (menin 1; minus strand). Cytogenetic location: 11q13.1.
Variant type: single nucleotide variant.
Coding change: c.44C>G on transcript NM_001370259.2 (MANE Select); coding-DNA position 44, C replaced by G.
Protein change: p.Ser15Cys; replaces serine 15 with cysteine.
Molecular consequence: missense variant.
Genome position (GRCh38, 1-based): chr11:64,810,066, G>C on the plus strand (C>G on the coding strand, the complement: MEN1 is on the minus strand). VCF-style: chr11-64810066-G-C. GRCh37 (hg19) VCF-style: chr11-64577538-G-C.
Other names: c.44C>G, p.Ser15Cys (NM_000244.4, NM_001370251.2, NM_001370260.2 and 9 more transcripts); short protein forms S15C.
Identifiers: ClinVar variation 824946 (VCV000824946.8), dbSNP rs1056705868, ClinGen allele CA381188192.

ClinVar aggregate classification (germline): Uncertain significance. Review status: criteria provided, multiple submitters, no conflicts (2 of 4 stars). 3 submissions from 3 submitters: Uncertain significance (3). Last evaluated 2024-06-11.

Conditions:
Multiple endocrine neoplasia, type 1 (MEN1). Also called: MEN I; WERMER SYNDROME; Endocrine adenomatosis multiple; MEN 1; MEA I. Identifiers: Orphanet 652, MedGen C0025267, MeSH D018761, MONDO:0007540, OMIM 131100.
Hereditary cancer-predisposing syndrome. Also called: Neoplastic Syndromes, Hereditary; Hereditary Cancer Syndrome; Hereditary neoplastic syndrome; Tumor predisposition. Identifiers: Orphanet 140162, MedGen C0027672, MeSH D009386, MONDO:0015356.

Allele frequency attached by ClinVar (database versions not stated): gnomAD exomes below 0.00001.

Submissions (3):

Labcorp Genetics (formerly Invitae), Labcorp
Classification: Uncertain significance for Multiple endocrine neoplasia, type 1. Last evaluated: 2024-06-11. Review status: criteria provided, single submitter. Criteria: Invitae Variant Classification Sherloc (09022015). Collection method: clinical testing. Allele origin: germline.
Comment: This sequence change replaces serine, which is neutral and polar, with cysteine, which is neutral and slightly polar, at codon 15 of the MEN1 protein (p.Ser15Cys). The frequency data for this variant in the population databases is considered unreliable, as metrics indicate poor data quality at this position in the gnomAD database. This variant has not been reported in the literature in individuals affected with MEN1-related conditions. ClinVar contains an entry for this variant (Variation ID: 824946). Advanced modeling of protein sequence and biophysical properties (such as structural, functional, and spatial information, amino acid conservation, physicochemical variation, residue mobility, and thermodynamic stability) performed at Invitae indicates that this missense variant is expected to disrupt MEN1 protein function with a positive predictive value of 95%. In summary, the available evidence is currently insufficient to determine the role of this variant in disease. Therefore, it has been classified as a Variant of Uncertain Significance.

Baylor Genetics
Classification: Uncertain significance for Multiple Endocrine Neoplasia Type 1. Last evaluated: 2023-05-08. Review status: criteria provided, single submitter. Criteria: ACMG Guidelines, 2015. Collection method: clinical testing. Allele origin: unknown.

Ambry Genetics
Classification: Uncertain significance for Hereditary cancer-predisposing syndrome. Last evaluated: 2018-02-14. Review status: criteria provided, single submitter. Criteria: Ambry Variant Classification Scheme 2023. Collection method: clinical testing. Allele origin: germline.
Comment: The p.S15C variant (also known as c.44C>G), located in coding exon 1 of the MEN1 gene, results from a C to G substitution at nucleotide position 44. The serine at codon 15 is replaced by cysteine, an amino acid with dissimilar properties. This amino acid position is not well conserved in available vertebrate species. In addition, the in silico prediction for this alteration is inconclusive. Since supporting evidence is limited at this time, the clinical significance of this alteration remains unclear.